The following is an entry in ClinVar:

ClinVar aggregate classification (germline): Benign/Likely benign. Review status: criteria provided, multiple submitters, no conflicts (2 of 4 stars). 2 submissions from 2 submitters: Benign (1); Likely benign (1). Last evaluated 2025-05-20.

Conditions:
PTPN11-related disorder. Also called: PTPN11-Related Disorders.

Allele frequency attached by ClinVar (database versions not stated): gnomAD 0.00021 and 0.00023; TOPMed 0.00031.
gnomAD v4.1: 31 of 154,410 alleles (0.02%); highest among the groups gnomAD compares: African/African-American, 0.075%; no homozygotes.

Submissions (2):

PreventionGenetics, part of Exact Sciences
Classification: Likely benign for PTPN11-related condition. Last evaluated: 2025-05-20. Review status: criteria provided, single submitter. Criteria: ACMG Guidelines, 2015. Collection method: clinical testing. Allele origin: germline.
Comment: This variant is classified as likely benign based on ACMG/AMP sequence variant interpretation guidelines (Richards et al. 2015 PMID: 25741868, with internal and published modifications).

GeneDx
Classification: Benign. Last evaluated: 2017-02-23. Review status: criteria provided, single submitter. Criteria: GeneDx Variant Classification Process June 2021. Collection method: clinical testing. Allele origin: germline. Affected: yes.

NM_002834.5(PTPN11):c.*48C>T

Gene: PTPN11 (protein tyrosine phosphatase non-receptor type 11; plus strand). Cytogenetic location: 12q24.13.
Variant type: single nucleotide variant.
Coding change: c.*48C>T on transcript NM_002834.5 (MANE Select); 48 bases downstream of the stop codon, C replaced by T.
Molecular consequence: 3 prime UTR variant.
Genome position (GRCh38, 1-based): chr12:112,505,840, C>T. VCF-style: chr12-112505840-C-T. GRCh37 (hg19) VCF-style: chr12-112943644-C-T.
Other names: c.*48C>T (NM_001330437.2, NM_001374625.1, NM_002834.4).
Identifiers: ClinVar variation 1270435 (VCV001270435.2), dbSNP rs1044921022, ClinGen allele CA243725968.